The following is an entry in ClinVar:

ClinVar aggregate classification (germline): Uncertain significance (1 of 4 stars; one submission).

Submission:

Labcorp Genetics (formerly Invitae), Labcorp
Classification: Uncertain significance. Last evaluated: 2024-09-27. Review status: criteria provided, single submitter. Criteria: Invitae Variant Classification Sherloc (09022015). Collection method: clinical testing. Allele origin: germline.
Comment: This sequence change replaces tyrosine, which is neutral and polar, with cysteine, which is neutral and slightly polar, at codon 288 of the SLC41A1 protein (p.Tyr288Cys). This variant is present in population databases (rs143162532, gnomAD 0.005%). This variant has not been reported in the literature in individuals affected with SLC41A1-related conditions. An algorithm developed to predict the effect of missense changes on protein structure and function (PolyPhen-2) suggests that this variant is likely to be tolerated. In summary, the available evidence is currently insufficient to determine the role of this variant in disease. Therefore, it has been classified as a Variant of Uncertain Significance.

NM_173854.6(SLC41A1):c.863A>G (p.Tyr288Cys)

Gene: SLC41A1 (solute carrier family 41 member 1; minus strand). Cytogenetic location: 1q32.1.
Variant type: single nucleotide variant.
Coding change: c.863A>G on transcript NM_173854.6 (MANE Select); coding-DNA position 863, A replaced by G.
Protein change: p.Tyr288Cys; replaces tyrosine 288 with cysteine.
Molecular consequence: missense variant.
Genome position (GRCh38, 1-based): chr1:205,798,033, T>C on the plus strand (A>G on the coding strand, the complement: SLC41A1 is on the minus strand). VCF-style: chr1-205798033-T-C. GRCh37 (hg19) VCF-style: chr1-205767161-T-C.
Other names: short protein forms Y288C.
Identifiers: ClinVar variation 3665030 (VCV003665030.2).